The following is an entry in ClinVar:

ClinVar aggregate classification (germline): Likely pathogenic (1 of 4 stars; one submission).

Conditions:
Autosomal recessive early-onset Parkinson disease 23. Identifiers: Orphanet 2828, MedGen C4225186, MONDO:0014796, OMIM 616840.

Submission:

Laboratorio de Genetica e Diagnostico Molecular, Hospital Israelita Albert Einstein
Classification: Likely pathogenic for Autosomal recessive early-onset Parkinson disease 23. Last evaluated: 2024-09-27. Review status: criteria provided, single submitter. Criteria: ACMG Guidelines, 2015. Collection method: clinical testing. Allele origin: germline. Affected: yes.
Comment: ACMG classification criteria: PVS1 very strong, PM2 supporting

NM_020821.3(VPS13C):c.6053_6056del (p.Lys2018fs)

Gene: VPS13C (vacuolar protein sorting 13 homolog C; minus strand). Cytogenetic location: 15q22.2.
Variant type: Microsatellite.
Coding change: c.6053_6056del on transcript NM_020821.3 (MANE Select); coding-DNA positions 6053 to 6056, 4 bases deleted (AGAA; older notation c.6053_6056delAGAA).
Protein change: p.Lys2018fs; shifts the reading frame from lysine 2018.
Molecular consequence: frameshift variant.
Genome position (GRCh38, 1-based): chr15:61,929,731-61,929,734, TTCT deleted on the plus strand (AGAA on the coding strand, the reverse complement: VPS13C is on the minus strand); deleting any 4 consecutive bases within chr15:61,929,731-61,929,738 gives the same sequence; the c. name uses the placement nearest the transcript's 3' end. VCF-style (leftmost placement, unchanged base first): chr15-61929730-ATTCT-A. GRCh37 (hg19) VCF-style: chr15-62221929-ATTCT-A.
Other names: c.6053_6056del, p.Lys2018fs (NM_001018088.3); c.5924_5927del, p.Lys1975fs (NM_017684.5, NM_018080.4); short protein forms K1975fs, K2018fs.
Identifiers: ClinVar variation 4076299 (VCV004076299.1).
Genomic context (GRCh38, chr15:61,929,730, plus strand): 5'-ACTTCCATTTTTGTCTTGTTTGTAACTTATATCAATCATAGAACTGTTGTTATCTTGGTC[ATTCT>A]TTCTGTCAATCATTCTGAAAAAAAACATGCTATTCATTATTTTATTCTTGCTAAAACAAT-3'